The following is an entry in ClinVar:

ClinVar aggregate classification (germline): Benign/Likely benign. Review status: criteria provided, multiple submitters, no conflicts (2 of 4 stars). 4 submissions from 4 submitters: Benign (1); Likely benign (3). Last evaluated 2026-05-21.

Conditions:
Hereditary cancer-predisposing syndrome. Also called: Hereditary neoplastic syndrome; Neoplastic Syndromes, Hereditary; Hereditary Cancer Syndrome; Tumor predisposition. Identifiers: Orphanet 140162, MedGen C0027672, MeSH D009386, MONDO:0015356.
Neurofibromatosis, type 1 (NF1). Also called: NEUROFIBROMATOSIS, TYPE I, SOMATIC; Neurofibromatosis, type I; VON RECKLINGHAUSEN DISEASE; Peripheral type neurofibromatosis. Identifiers: Orphanet 636, MedGen C0027831, MONDO:0018975, OMIM 162200. Disease mechanism: loss of function.

Allele frequency attached by ClinVar (database versions not stated): gnomAD exomes below 0.00001.
gnomAD v4.1: 2 of 1,613,918 alleles (0.00012%); highest among the groups gnomAD compares: Non-Finnish European, 0.00017%; no homozygotes.

Submissions (4):

Myriad Genetics, Inc.
Classification: Benign for Neurofibromatosis, type 1. Last evaluated: 2026-05-21. Review status: criteria provided, single submitter. Criteria: Myriad Autosomal Dominant, Autosomal Recessive and X-Linked Classification Criteria (2023). Collection method: clinical testing. Allele origin: unknown.
Comment: This variant is considered benign. This variant is a silent/synonymous amino acid change and it is not expected to impact splicing.

Labcorp Genetics (formerly Invitae), Labcorp
Classification: Likely benign for Neurofibromatosis, type 1. Last evaluated: 2025-11-09. Review status: criteria provided, single submitter. Criteria: Invitae Variant Classification Sherloc (09022015). Collection method: clinical testing. Allele origin: germline.

Genome-Nilou Lab
Classification: Likely benign for Neurofibromatosis, type 1. Last evaluated: 2022-03-15. Review status: criteria provided, single submitter. Criteria: ACMG Guidelines, 2015. Collection method: clinical testing. Allele origin: germline. Affected: no.

Ambry Genetics
Classification: Likely benign for Hereditary cancer-predisposing syndrome. Last evaluated: 2013-12-05. Review status: criteria provided, single submitter. Criteria: Ambry Autosomal Dominant and X-Linked criteria (10/2015). Collection method: clinical testing. Allele origin: germline. Observed: 1 variant allele.

NM_001042492.3(NF1):c.6676C>T (p.Leu2226=)

Gene: NF1 (neurofibromin 1; plus strand). Cytogenetic location: 17q11.2.
Variant type: single nucleotide variant.
Coding change: c.6676C>T on transcript NM_001042492.3 (MANE Select); coding-DNA position 6676, C replaced by T.
Protein change: p.Leu2226=; no amino-acid change (leucine 2226 retained).
Molecular consequence: synonymous variant.
Genome position (GRCh38, 1-based): chr17:31,337,852, C>T. VCF-style: chr17-31337852-C-T. GRCh37 (hg19) VCF-style: chr17-29664870-C-T.
Other names: c.6613C>T, p.Leu2205= (NM_000267.4).
Identifiers: ClinVar variation 229666 (VCV000229666.15), dbSNP rs876658129, ClinGen allele CA10580385.